The following is an entry in ClinVar:

ClinVar aggregate classification (germline): Likely benign (1 of 4 stars; one submission).

Conditions:
Intellectual developmental disorder, X-linked 111 (XLID111). Identifiers: MedGen C5829568, MONDO:0957203, OMIM 301107.

Submission:

Medical Genetics Clinic, University of Catania
Classification: Likely benign for Intellectual developmental disorder, X-linked 111. Last evaluated: 2025-02-27. Review status: criteria provided, single submitter. Criteria: ACMG Guidelines, 2015. Collection method: clinical testing. Allele origin: maternal. Inheritance: X-linked inheritance. Affected: yes.
Comment: Variants involving the SLITRK2 gene are associated in the literature with Intellectual developmental disorder, X-linked 111 characterized by intellectual disability, psychiatric and behavioral disorders with a higher prevalence in males (PMID: 35840571). The inframe variant c.1975_1977del (p.Asn659del) in the SLITRK2 gene has CADD score: 16.00. This variant is present in the gnomAD database in 6 male subjects. In the light of the above the c.1975_1977del (p.Asn659del) variant in the SLITRK2 gene has been classified as likely benign.

Literature cited by the submitters: PubMed 35840571.

NM_032539.5(SLITRK2):c.1972AAC[1] (p.Asn659del)

Gene: SLITRK2 (SLIT and NTRK like family member 2; plus strand). Cytogenetic location: Xq27.3.
Variant type: Microsatellite.
Coding change: c.1972AAC[1] on transcript NM_032539.5 (MANE Select); one copy of the 3-base unit AAC starting at c.1972; the reference has two copies in a row; one copy, 3 bases deleted.
Protein change: p.Asn659del; deletes asparagine 659.
Genome position (GRCh38, 1-based): chrX:145,824,400-145,824,402, AAC deleted; deleting any 3 consecutive bases within chrX:145,824,396-145,824,402 gives the same sequence; the position shown is the placement nearest the transcript's 3' end. VCF-style (leftmost placement, unchanged base first): chrX-145824395-CCAA-C. GRCh37 (hg19) VCF-style: chrX-144905913-CCAA-C.
Other names: p.Asn659del; c.1972AAC[1], p.Asn659del (NM_001144003.3, NM_001144004.3, NM_001144005.3 and 4 more transcripts); c.1975_1977del (NM_001144003.3); short protein forms N659del.
Identifiers: ClinVar variation 3899944 (VCV003899944.1).
Genomic context (GRCh38, chrX:145,824,395, plus strand): 5'-CTGGTTTATTCGTCTTTGTCTTGAAACGCCGAAAGGGAGTGCCGAGCGTTCCCAGGAATA[CCAA>C]CAACTTAGACGTAAGCTCCTTTCAATTACAGTATGGGTCTTACAACACTGAGACTCACGA-3'